The following is an entry in ClinVar:

ClinVar aggregate classification (germline): Benign. Review status: criteria provided, multiple submitters, no conflicts (2 of 4 stars). 2 submissions from 2 submitters: Benign (2). Last evaluated 2018-06-14.

Allele frequency attached by ClinVar (database versions not stated): gnomAD 0.20644 and 0.21299; TOPMed 0.21099; gnomAD exomes 0.21394; 1000 Genomes Project 30x 0.26968; 1000 Genomes Project 0.27456.
gnomAD v4.1: 40,485 of 189,954 alleles (21%); highest among the groups gnomAD compares: East Asian, 40%; 4,767 homozygotes.

Submissions (2):

GeneDx
Classification: Benign. Last evaluated: 2018-06-14. Review status: criteria provided, single submitter. Criteria: GeneDx Variant Classification (06012015). Collection method: clinical testing. Allele origin: germline. Affected: yes.
Comment: This variant is considered likely benign or benign based on one or more of the following criteria: it is a conservative change, it occurs at a poorly conserved position in the protein, it is predicted to be benign by multiple in silico algorithms, and/or has population frequency not consistent with disease.

Breakthrough Genomics
Classification: Benign. Review status: criteria provided, single submitter. Criteria: ACMG Guidelines, 2015. Collection method: not provided. Allele origin: germline. Inheritance: Autosomal recessive inheritance. Affected: yes.

NM_024678.6(NARS2):c.1165-286T>C

Gene: NARS2 (asparaginyl-tRNA synthetase 2, mitochondrial; minus strand). Cytogenetic location: 11q14.1.
Variant type: single nucleotide variant.
Coding change: c.1165-286T>C on transcript NM_024678.6 (MANE Select); 286 bases into the intron before coding-DNA position 1165, T replaced by C.
Molecular consequence: intron variant.
Genome position (GRCh38, 1-based): chr11:78,444,044, A>G on the plus strand (T>C on the coding strand, the complement: NARS2 is on the minus strand). VCF-style: chr11-78444044-A-G. GRCh37 (hg19) VCF-style: chr11-78155090-A-G.
Other names: c.484-286T>C (NM_001243251.2).
Identifiers: ClinVar variation 682660 (VCV000682660.2), dbSNP rs11237495, ClinGen allele CA15710737.
Genomic context (GRCh38, chr11:78,444,044, plus strand): 5'-ATTATAAAAATGTGGATAGTGTTAAAAATTATGAAACATTAAAAATCACCTATCAGTACC[A>G]GAAAATTACATTTTTGTGGATTTCCTTTCAAATTTTTTCCCTTATACATTTATAAAGTAT-3'